The following is an entry in ClinVar:

NM_002444.3(MSN):c.1114del (p.Ala372fs)

Gene: MSN (moesin; plus strand). Cytogenetic location: Xq12.
Variant type: Deletion.
Coding change: c.1114del on transcript NM_002444.3 (MANE Select); coding-DNA position 1114, one base deleted (G; older notation c.1114delG).
Protein change: p.Ala372fs; shifts the reading frame from alanine 372.
Molecular consequence: frameshift variant.
Genome position (GRCh38, 1-based): chrX:65,737,201, G deleted; the last of 3 consecutive G bases (chrX:65,737,199-65,737,201); deleting any one gives the same sequence. VCF-style (leftmost placement, unchanged base first): chrX-65737198-AG-A. GRCh37 (hg19) VCF-style: chrX-64957060-AG-A.
Other names: short protein forms A372fs.
Identifiers: ClinVar variation 1482598 (VCV001482598.6), dbSNP rs2147518992, ClinGen allele CA2573159022.

ClinVar aggregate classification (germline): Pathogenic (1 of 4 stars; one submission).

Submission:

Labcorp Genetics (formerly Invitae), Labcorp
Classification: Pathogenic. Last evaluated: 2024-04-25. Review status: criteria provided, single submitter. Criteria: Invitae Variant Classification Sherloc (09022015). Collection method: clinical testing. Allele origin: germline.
Comment: This sequence change creates a premature translational stop signal (p.Ala372Leufs*53) in the MSN gene. It is expected to result in an absent or disrupted protein product. Loss-of-function variants in MSN are known to be pathogenic (PMID: 27405666). This variant is not present in population databases (gnomAD no frequency). This variant has not been reported in the literature in individuals affected with MSN-related conditions. ClinVar contains an entry for this variant (Variation ID: 1482598). For these reasons, this variant has been classified as Pathogenic.

Literature cited by the submitters: PubMed 27405666.